The following is an entry in ClinVar:

ClinVar aggregate classification (germline): Uncertain significance. Review status: criteria provided, multiple submitters, no conflicts (2 of 4 stars). 2 submissions from 2 submitters: Uncertain significance (2). Last evaluated 2021-08-31.

Conditions:
Polycystic kidney disease, adult type (PKD1). Also called: POLYCYSTIC KIDNEY DISEASE 1 WITH OR WITHOUT POLYCYSTIC LIVER DISEASE; POLYCYSTIC KIDNEY DISEASE, ADULT, TYPE I; Polycystic Kidney, Autosomal Dominant; Polycystic Kidney Disease 1, Autosomal Dominant; Polycystic kidney disease 1; Polycystic kidney disease 1, severe. Identifiers: MedGen C3149841, MONDO:0008263, OMIM 173900.

Allele frequency attached by ClinVar (database versions not stated): gnomAD exomes below 0.00001.
gnomAD v4.1: 1 of 1,610,460 alleles (0.000062%); highest among the groups gnomAD compares: Non-Finnish European, 0.000085%; no homozygotes.

Submissions (2):

Fulgent Genetics
Classification: Uncertain significance for Polycystic kidney disease, adult type. Last evaluated: 2021-08-31. Review status: criteria provided, single submitter. Criteria: ACMG Guidelines, 2015. Collection method: clinical testing. Allele origin: unknown.

ARUP Laboratories, Molecular Genetics and Genomics, ARUP Laboratories
Classification: Uncertain significance for Polycystic kidney disease, adult type. Last evaluated: 2019-04-11. Review status: criteria provided, single submitter. Criteria: ARUP Molecular Germline Variant Investigation Process. Collection method: clinical testing. Allele origin: germline.
Comment: The PKD1 c.9430G>A; p.Gly3144Arg variant is reported in the literature in a single individual affected with autosomal dominant polycystic kidney disease (ADPKD) (Cornec-Le Gall 2016). This variant is absent from general population databases (Exome Variant Server, Genome Aggregation Database), indicating it is not a common polymorphism. The glycine at codon 3144 is highly conserved, and computational analyses (SIFT, PolyPhen-2) predict that this variant is deleterious. Additionally, other amino acid substitutions at this codon (p.Gly3144Glu and p.Gly3144Trp) have been reported in individuals with ADPKD and are considered likely pathogenic (Audrezet 2012, Cornec-Le Gall 2016). However, due to a lack of clinical and functional data, the significance of the p.Gly3144Arg variant is uncertain at this time. References: Audrezet MP et al. Autosomal dominant polycystic kidney disease: comprehensive mutation analysis of PKD1 and PKD2 in 700 unrelated patients. Hum Mutat. 2012 Aug;33(8):1239-50. Cornec-Le Gall E et al. The PROPKD Score: A New Algorithm to Predict Renal Survival in Autosomal Dominant Polycystic Kidney Disease. J Am Soc Nephrol. 2016 Mar;27(3):942-51.

NM_001009944.3(PKD1):c.9430G>A (p.Gly3144Arg)

Gene: PKD1 (polycystin 1, transient receptor potential channel interacting; minus strand). Cytogenetic location: 16p13.3.
Variant type: single nucleotide variant.
Coding change: c.9430G>A on transcript NM_001009944.3 (MANE Select); coding-DNA position 9430, G replaced by A.
Protein change: p.Gly3144Arg; replaces glycine 3144 with arginine.
Molecular consequence: missense variant.
Genome position (GRCh38, 1-based): chr16:2,100,534, C>T on the plus strand (G>A on the coding strand, the complement: PKD1 is on the minus strand). VCF-style: chr16-2100534-C-T. GRCh37 (hg19) VCF-style: chr16-2150535-C-T.
Other names: c.9430G>A, p.Gly3144Arg (NM_000296.4); short protein forms G3144R.
Identifiers: ClinVar variation 811980 (VCV000811980.9), dbSNP rs1596515144, ClinGen allele CA394356576.